The following is an entry in ClinVar:

ClinVar aggregate classification (germline): Uncertain significance. Review status: criteria provided, multiple submitters, no conflicts (2 of 4 stars). 2 submissions from 2 submitters: Uncertain significance (2). Last evaluated 2023-10-08.

Conditions:
Holoprosencephaly 9 (HPE9). Also called: PITUITARY ANOMALIES WITH HOLOPROSENCEPHALY-LIKE FEATURES; HOLOPROSENCEPHALY WITH MICROPHTHALMIA AND FIRST BRANCHIAL ARCH ANOMALIES. Identifiers: Orphanet 2162, MedGen C1835819, MONDO:0012563, OMIM 610829.
Postaxial polydactyly-anterior pituitary anomalies-facial dysmorphism syndrome. Also called: Culler-Jones syndrome. Identifiers: Orphanet 420584, MedGen C4014479, MONDO:0014369, OMIM 615849.

gnomAD v4.1: 3 of 1,600,628 alleles (0.00019%); highest among the groups gnomAD compares: East Asian, 0.0045%; no homozygotes.

Submissions (2):

GeneDx
Classification: Uncertain significance. Last evaluated: 2023-10-08. Review status: criteria provided, single submitter. Criteria: GeneDx Variant Classification Process June 2021. Collection method: clinical testing. Allele origin: germline. Affected: yes.
Comment: Canonical splice site variant predicted to result in a null allele in a gene for which loss of function is a known mechanism of disease; Has not been previously published as pathogenic or benign to our knowledge; This variant is associated with the following publications: (PMID: Yang2020[casereport])

Juno Genomics, Hangzhou Juno Genomics, Inc
Classification: Uncertain significance for Holoprosencephaly 9; Postaxial polydactyly-anterior pituitary anomalies-facial dysmorphism syndrome. Review status: criteria provided, single submitter. Criteria: ACMG Guidelines, 2015. Collection method: clinical testing. Allele origin: germline.
Comment: Absent from controls (or at extremely low frequency if recessive) in Genome Aggregation Database.;Null variant in a gene where loss of function (LOF) is a known mechanism of disease.

NM_001374353.1(GLI2):c.254+1G>A

Gene: GLI2 (GLI family zinc finger 2; plus strand). Cytogenetic location: 2q14.2.
Variant type: single nucleotide variant.
Coding change: c.254+1G>A on transcript NM_001374353.1 (MANE Select); the canonical splice donor site of the intron after coding-DNA position 254, G replaced by A.
Molecular consequence: splice donor variant. On other transcripts: intron variant (1).
Genome position (GRCh38, 1-based): chr2:120,927,467, G>A. VCF-style: chr2-120927467-G-A. GRCh37 (hg19) VCF-style: chr2-121685043-G-A.
Other names: c.254+1G>A (NM_001371271.1, NM_005270.5); c.-121-23776G>A (NM_001374354.1).
Identifiers: ClinVar variation 3253339 (VCV003253339.3), dbSNP rs1458149576.
Genomic context (GRCh38, chr2:120,927,467, plus strand): 5'-CATGCGACACCAGGAAGGAAGGTACCATTACGAGCCTCATTCTGTCCACGGTGTGCACGG[G>A]TAAGTCCTGCCCTCTGCCTGCTGCTCCTGGCGTGCAGTCACCTGCCATGGGGAGGCTGGG-3'